The following is an entry in ClinVar:

ClinVar aggregate classification (germline): Uncertain significance (1 of 4 stars; one submission).

Conditions:
STING-associated vasculopathy with onset in infancy. Also called: Sting-associated vasculopathy, infantile-onset. Identifiers: Orphanet 425120, MedGen C4014722, MONDO:0014405, OMIM 615934.

Allele frequency attached by ClinVar (database versions not stated): TOPMed below 0.00001.

Submission:

Labcorp Genetics (formerly Invitae), Labcorp
Classification: Uncertain significance for STING-associated vasculopathy with onset in infancy. Last evaluated: 2025-02-26. Review status: criteria provided, single submitter. Criteria: Invitae Variant Classification Sherloc (09022015). Collection method: clinical testing. Allele origin: germline.
Comment: This sequence change replaces aspartic acid, which is acidic and polar, with glycine, which is neutral and non-polar, at codon 237 of the TMEM173 protein (p.Asp237Gly). This variant is not present in population databases (gnomAD no frequency). This variant has not been reported in the literature in individuals affected with TMEM173-related conditions. ClinVar contains an entry for this variant (Variation ID: 1680248). Invitae Evidence Modeling of protein sequence and biophysical properties (such as structural, functional, and spatial information, amino acid conservation, physicochemical variation, residue mobility, and thermodynamic stability) indicates that this missense variant is not expected to disrupt TMEM173 protein function with a negative predictive value of 80%. In summary, the available evidence is currently insufficient to determine the role of this variant in disease. Therefore, it has been classified as a Variant of Uncertain Significance.

NM_198282.4(STING1):c.710A>G (p.Asp237Gly)

Gene: STING1 (stimulator of interferon response cGAMP interactor 1; minus strand). Cytogenetic location: 5q31.2.
Variant type: single nucleotide variant.
Coding change: c.710A>G on transcript NM_198282.4 (MANE Select); coding-DNA position 710, A replaced by G.
Protein change: p.Asp237Gly; replaces aspartic acid 237 with glycine.
Molecular consequence: missense variant.
Genome position (GRCh38, 1-based): chr5:139,478,319, T>C on the plus strand (A>G on the coding strand, the complement: STING1 is on the minus strand). VCF-style: chr5-139478319-T-C. GRCh37 (hg19) VCF-style: chr5-138857904-T-C.
Other names: c.710A>G, p.Asp237Gly (NM_001301738.2); c.353A>G, p.Asp118Gly (NM_001367258.1); short protein forms D118G, D237G.
Identifiers: ClinVar variation 1680248 (VCV001680248.4), dbSNP rs1167471683, ClinGen allele CA361479930.